The following is an entry in ClinVar:

ClinVar aggregate classification (germline): Uncertain significance (1 of 4 stars; one submission).

Conditions:
Succinyl-CoA acetoacetate transferase deficiency (SCOTD). Also called: 3-Oxoacid CoA Transferase Deficiency; Succinyl CoA:3-oxoacid CoA transferase deficiency; KETOACIDOSIS DUE TO SCOT DEFICIENCY; SCOT DEFICIENCY; SUCCINYL-CoA:3-KETOACID CoA-TRANSFERASE DEFICIENCY. Identifiers: Orphanet 832, MedGen C0342792, MONDO:0009492, OMIM 245050.

Allele frequency attached by ClinVar (database versions not stated): gnomAD exomes below 0.00001; TOPMed below 0.00001.

Submission:

Labcorp Genetics (formerly Invitae), Labcorp
Classification: Uncertain significance for Succinyl-CoA acetoacetate transferase deficiency. Last evaluated: 2023-07-07. Review status: criteria provided, single submitter. Criteria: Invitae Variant Classification Sherloc (09022015). Collection method: clinical testing. Allele origin: germline.
Comment: This sequence change replaces isoleucine, which is neutral and non-polar, with valine, which is neutral and non-polar, at codon 325 of the OXCT1 protein (p.Ile325Val). This variant is not present in population databases (gnomAD no frequency). This variant has not been reported in the literature in individuals affected with OXCT1-related conditions. Advanced modeling of protein sequence and biophysical properties (such as structural, functional, and spatial information, amino acid conservation, physicochemical variation, residue mobility, and thermodynamic stability) performed at Invitae indicates that this missense variant is not expected to disrupt OXCT1 protein function. In summary, the available evidence is currently insufficient to determine the role of this variant in disease. Therefore, it has been classified as a Variant of Uncertain Significance.

NM_000436.4(OXCT1):c.973A>G (p.Ile325Val)

Gene: OXCT1 (3-oxoacid CoA-transferase 1; minus strand). Cytogenetic location: 5p13.1.
Variant type: single nucleotide variant.
Coding change: c.973A>G on transcript NM_000436.4 (MANE Select); coding-DNA position 973, A replaced by G.
Protein change: p.Ile325Val; replaces isoleucine 325 with valine.
Molecular consequence: missense variant. On other transcripts: non-coding transcript variant (1).
Genome position (GRCh38, 1-based): chr5:41,803,146, T>C on the plus strand (A>G on the coding strand, the complement: OXCT1 is on the minus strand). VCF-style: chr5-41803146-T-C. GRCh37 (hg19) VCF-style: chr5-41803248-T-C.
Other names: c.994A>G, p.Ile332Val (NM_001364299.2, NM_001364300.2); c.967A>G, p.Ile323Val (NM_001364301.2); c.973A>G, p.Ile325Val (NM_001364302.2); c.415A>G, p.Ile139Val (NM_001364303.2); short protein forms I139V, I325V, I323V, I332V.
Identifiers: ClinVar variation 2848285 (VCV002848285.3), dbSNP rs945615302, ClinGen allele CA117776521.
Genomic context (GRCh38, chr5:41,803,146, plus strand): 5'-TTTCACTTTGAAGATGAACAGTTATATTTGGGCTGATAAAATTGCTGGCCAGGAGAGGGA[T>C]TCCTATGCCCAAATTAGCTGGAAAAAAAAGATGTTAAGGTCCAGCATATAAAAGGTAGAG-3'
Protein context (NP_000427.1, residues 315-335): DGMYANLGIG[Ile325Val]PLLASNFISP